The following is an entry in ClinVar:

ClinVar aggregate classification (germline): Uncertain significance (1 of 4 stars; one submission).

gnomAD v4.1: 4 of 1,608,082 alleles (0.00025%); highest among the groups gnomAD compares: Non-Finnish European, 0.00034%; no homozygotes.

Submission:

Labcorp Genetics (formerly Invitae), Labcorp
Classification: Uncertain significance. Last evaluated: 2024-10-15. Review status: criteria provided, single submitter. Criteria: Invitae Variant Classification Sherloc (09022015). Collection method: clinical testing. Allele origin: germline.
Comment: This sequence change replaces aspartic acid, which is acidic and polar, with valine, which is neutral and non-polar, at codon 150 of the MSMO1 protein (p.Asp150Val). This variant is present in population databases (no rsID available, gnomAD 0.0009%). This variant has not been reported in the literature in individuals affected with MSMO1-related conditions. ClinVar contains an entry for this variant (Variation ID: 2057165). Invitae Evidence Modeling of protein sequence and biophysical properties (such as structural, functional, and spatial information, amino acid conservation, physicochemical variation, residue mobility, and thermodynamic stability) indicates that this missense variant is expected to disrupt MSMO1 protein function with a positive predictive value of 80%. In summary, the available evidence is currently insufficient to determine the role of this variant in disease. Therefore, it has been classified as a Variant of Uncertain Significance.

NM_006745.5(MSMO1):c.449A>T (p.Asp150Val)

Gene: MSMO1 (methylsterol monooxygenase 1; plus strand). Cytogenetic location: 4q32.3.
Variant type: single nucleotide variant.
Coding change: c.449A>T on transcript NM_006745.5 (MANE Select); coding-DNA position 449, A replaced by T.
Protein change: p.Asp150Val; replaces aspartic acid 150 with valine.
Molecular consequence: missense variant.
Genome position (GRCh38, 1-based): chr4:165,338,696, A>T. VCF-style: chr4-165338696-A-T. GRCh37 (hg19) VCF-style: chr4-166259848-A-T.
Other names: c.56A>T, p.Asp19Val (NM_001017369.3); short protein forms D150V, D19V.
Identifiers: ClinVar variation 2057165 (VCV002057165.4), dbSNP rs1430053295, ClinGen allele CA358685894.
Genomic context (GRCh38, chr4:165,338,696, plus strand): 5'-CATTTTTATCTTAAAGGTATTTTCTTTTGGCAAGATGCTTTGGTTGTGCAGTCATTGAAG[A>T]TACTTGGCACTATTTTCTGCATAGACTCTTACACCACAAAAGAATATACAAGTATATTCA-3'
Protein context (NP_006736.1, residues 140-160): ARCFGCAVIE[Asp150Val]TWHYFLHRLL